The following is an entry in ClinVar:

NM_031433.4(MFRP):c.497C>T (p.Pro166Leu)

Genes: C1QTNF5 (C1q and TNF related 5; minus strand), MFRP (membrane frizzled-related protein; minus strand). Cytogenetic location: 11q23.3.
Variant type: single nucleotide variant.
Coding change: c.497C>T on transcript NM_031433.4 (MANE Select); coding-DNA position 497, C replaced by T.
Protein change: p.Pro166Leu; replaces proline 166 with leucine.
Molecular consequence: missense variant. On other transcripts: 5 prime UTR variant (1).
Genome position (GRCh38, 1-based): chr11:119,345,564, G>A on the plus strand (C>T on the coding strand, the complement: MFRP is on the minus strand). VCF-style: chr11-119345564-G-A. GRCh37 (hg19) VCF-style: chr11-119216274-G-A.
Other names: c.-2140C>T (NM_015645.5); short protein forms P166L.
Identifiers: ClinVar variation 915447 (VCV000915447.7), dbSNP rs200251814, ClinGen allele CA6320525.
Genomic context (GRCh38, chr11:119,345,564, plus strand): 5'-ATCTTGAGCTGTATTGCATGGTCTGTGGCCACCTGGATATGCCACACGCAGTGGGTGTTG[G>A]GGGGGTAAGGGTCTGGGTAGTTAGGGCTGCTGAAGAAGCCCCTTGGGCCAGAGAGGAGGC-3'
Protein context (NP_113621.1, residues 156-176): SSPNYPDPYP[Pro166Leu]NTHCVWHIQV

ClinVar aggregate classification (germline): Likely pathogenic. Review status: criteria provided, single submitter (1 of 4 stars). 2 submissions from 2 submitters: Likely pathogenic (1). 1 of the submissions does not count toward it. Last evaluated 2022-12-21.

Conditions:
Nanophthalmos 2 (NNO2). Also called: NANOPHTHALMIA 2; NANOPHTHALMOS, AUTOSOMAL RECESSIVE. Identifiers: Orphanet 35612, MedGen C1836006, MONDO:0012299, OMIM 609549.
Isolated microphthalmia 5. Also called: Posterior Microphthalmia with Retinitis Pigmentosa, Foveoschisis, and Optic Disc Drusen. Identifiers: Orphanet 251279, MedGen C1970236, MONDO:0012605, OMIM 611040.

Allele frequency attached by ClinVar (database versions not stated): 1000 Genomes Project 0.00020; 1000 Genomes Project 30x 0.00016; TOPMed 0.00011.
gnomAD v4.1: 67 of 1,613,922 alleles (0.0042%); highest among the groups gnomAD compares: Non-Finnish European, 0.0053%; no homozygotes.

Submissions (2):

Labcorp Genetics (formerly Invitae), Labcorp
Classification: Likely pathogenic for Isolated microphthalmia 5. Last evaluated: 2022-12-21. Review status: criteria provided, single submitter. Criteria: Invitae Variant Classification Sherloc (09022015). Collection method: clinical testing. Allele origin: germline.
Comment: This sequence change replaces proline, which is neutral and non-polar, with leucine, which is neutral and non-polar, at codon 166 of the MFRP protein (p.Pro166Leu). This variant is present in population databases (rs200251814, gnomAD 0.008%). This missense change has been observed in individuals with clinical features of microphthalmos (PMID: 32996714; Invitae). It has also been observed to segregate with disease in related individuals. ClinVar contains an entry for this variant (Variation ID: 915447). Advanced modeling of protein sequence and biophysical properties (such as structural, functional, and spatial information, amino acid conservation, physicochemical variation, residue mobility, and thermodynamic stability) performed at Invitae indicates that this missense variant is expected to disrupt MFRP protein function. In summary, the currently available evidence indicates that the variant is pathogenic, but additional data are needed to prove that conclusively. Therefore, this variant has been classified as Likely Pathogenic.

Institute of Medical Molecular Genetics, University of Zurich
Classification: Pathogenic for Nanophthalmos 2. Last evaluated: 2019-08-01. Review status: no assertion criteria provided. Collection method: research. Allele origin: unknown, maternal. Affected: yes and no. Observed: 3 heterozygotes, 2 homozygotes. Not counted in ClinVar's aggregate classification.

Literature cited by the submitters: PubMed 32996714 (cited by Labcorp Genetics (formerly Invitae), Labcorp and Institute of Medical Molecular Genetics, University of Zurich).